The following is an entry in ClinVar:

ClinVar aggregate classification (germline): Pathogenic/Likely pathogenic. Review status: criteria provided, multiple submitters, no conflicts (2 of 4 stars). 7 submissions from 7 submitters: Pathogenic (2); Likely pathogenic (4). 1 of the submissions does not count toward it. Last evaluated 2024-05-31.

Conditions:
Type 2 diabetes mellitus. Also called: Type II diabetes mellitus. Identifiers: MedGen C0011860, MeSH D003924, MONDO:0005148, OMIM 125853, HP:0005978.
Hyperinsulinemic hypoglycemia, familial, 1 (HHF1). Also called: HYPERINSULINISM, FAMILIAL, WITH PANCREATIC NESIDIOBLASTOSIS; HYPOGLYCEMIA, HYPERINSULINEMIC, OF INFANCY; NESIDIOBLASTOSIS OF PANCREAS; Persistent hyperinsulinemic hypoglycemia of infancy; Persistent Hyperinsulinemia Hypoglycemia of Infancy. Identifiers: Orphanet 276575, Orphanet 276598, MedGen C2931832, MONDO:0009734, OMIM 256450.
Leucine-induced hypoglycemia (LIH). Also called: LEUCINE-SENSITIVE HYPOGLYCEMIA OF INFANCY. Identifiers: MedGen C0271714, MONDO:0009415, OMIM 240800.
Diabetes mellitus, permanent neonatal 3. Also called: ABCC8-Related Permanent Neonatal Diabetes Mellitus. Identifiers: MedGen C5394303, MONDO:0030088, OMIM 618857.
Diabetes mellitus, transient neonatal, 2 (TNDM2). Identifiers: Orphanet 99886, MedGen C1835887, MONDO:0012480, OMIM 610374. Disease mechanism: loss of function.
Familial hyperinsulinism. Also called: Congenital hyperinsulinism. Identifiers: Orphanet 276525, MedGen C3888018, MONDO:0017182. Disease mechanism: loss of function.
Hereditary hyperinsulinism.

Allele frequency attached by ClinVar (database versions not stated): gnomAD exomes below 0.00001; gnomAD 0.00001; 1000 Genomes Project 30x 0.00016; 1000 Genomes Project 0.00020.

Submissions (7):

Natera, Inc.
Classification: Likely pathogenic for Hereditary hyperinsulinism. Last evaluated: 2024-05-31. Review status: criteria provided, single submitter. Criteria: Natera Variant Classification Schema (03/2026). Collection method: clinical testing. Allele origin: germline.
Comment: The c.3400-1G>A variant in ABCC8 is a canonical splice acceptor site variant predicted to affect pre-mRNA splicing, which may result in an abnormal transcript and altered protein product. This variant is expected to result in nonsense mediated decay, truncation, or a dysfunctional protein product. This variant is rare in the general population with a frequency below the threshold expected for the associated phenotype(s). Given the available evidence, this variant is classified as Likely Pathogenic.

Fulgent Genetics
Classification: Likely pathogenic for Type 2 diabetes mellitus; Leucine-induced hypoglycemia; Hyperinsulinemic hypoglycemia, familial, 1; Diabetes mellitus, transient neonatal, 2; Diabetes mellitus, permanent neonatal 3. Last evaluated: 2024-01-31. Review status: criteria provided, single submitter. Criteria: ACMG Guidelines, 2015. Collection method: clinical testing. Allele origin: germline.

Baylor Genetics
Classification: Pathogenic for Type 2 diabetes mellitus. Last evaluated: 2023-12-29. Review status: criteria provided, single submitter. Criteria: ACMG Guidelines, 2015. Collection method: clinical testing. Allele origin: unknown.

Broad Center for Mendelian Genomics, Broad Institute of MIT and Harvard
Classification: Pathogenic for Hyperinsulinemic hypoglycemia, familial, 1. Last evaluated: 2023-08-16. Review status: criteria provided, single submitter. Criteria: ACMG Guidelines, 2015. Collection method: curation. Allele origin: germline. Inheritance: Autosomal recessive inheritance.
Comment: The c.3400-1G>A variant in ABCC8 has been reported in 2 individuals with hyperinsulinemic hypoglycemia (PMID: 23275527, Tran et al. 2019 abstract), and has been identified in 0.006% (1/17126) of East Asian chromosomes by the Genome Aggregation Database (gnomAD; dbSNP rs576684889). Although this variant has been seen in the general population in a heterozygous state, its frequency is low enough to be consistent with a recessive carrier frequency. Of the 2 affected individuals, 1 was a compound heterozygote that carried a reported pathogenic variant in trans, which increases the likelihood that the c.3400-1G>A variant is pathogenic (PMID: 23275527). This variant is located in the 5' splice region. SpliceAI predictions indicate use of an out-of-frame cryptic splice site 55 bases from the intron-exon boundary, providing evidence that this variant may cause a frameshift and lead to a premature termination codon downstream. This alteration is then predicted to lead to a truncated or absent protein. However, this information is not predictive enough to determine pathogenicity. Loss of function of the ABCC8 gene is an established disease mechanism in autosomal recessive hyperinsulinemic hypoglycemia. In summary, this variant meets criteria to be classified as pathogenic for autosomal recessive hyperinsulinemic hypoglycemia. ACMG/AMP Criteria applied: PVS1, PM3, PM2_supporting (Richards 2015).

Women's Health and Genetics/Laboratory Corporation of America, LabCorp
Classification: Likely pathogenic for Familial hyperinsulinism. Last evaluated: 2023-03-20. Review status: criteria provided, single submitter. Criteria: LabCorp Variant Classification Summary - May 2015. Collection method: clinical testing. Allele origin: germline.
Comment: Variant summary: ABCC8 c.3400-1G>A is located in a canonical splice-site and is predicted to affect mRNA splicing resulting in a significantly altered protein due to either exon skipping, shortening, or inclusion of intronic material. Several computational tools predict a significant impact on normal splicing: Five predict the variant abolishes the canonical 3' acceptor site. However, these predictions have yet to be confirmed by functional studies. The variant allele was found at a frequency of 4.3e-06 in 235136 control chromosomes (gnomAD). c.3400-1G>A has been reported in the literature in individuals affected with Congenital Hyperinsulinism (example: Snider_2013 and Ngoc_2021). These data indicate that the variant may be associated with disease. To our knowledge, no experimental evidence demonstrating an impact on protein function has been reported. Three clinical diagnostic laboratories have submitted clinical-significance assessments for this variant to ClinVar after 2014 and all classified the variant as likely pathogenic. Based on the evidence outlined above, the variant was classified as likely pathogenic.

Labcorp Genetics (formerly Invitae), Labcorp
Classification: Likely pathogenic. Last evaluated: 2022-12-07. Review status: criteria provided, single submitter. Criteria: Invitae Variant Classification Sherloc (09022015). Collection method: clinical testing. Allele origin: germline.
Comment: Algorithms developed to predict the effect of sequence changes on RNA splicing suggest that this variant may disrupt the consensus splice site. In summary, the currently available evidence indicates that the variant is pathogenic, but additional data are needed to prove that conclusively. Therefore, this variant has been classified as Likely Pathogenic. ClinVar contains an entry for this variant (Variation ID: 370935). This variant is also known as c.3403-1G>A. Disruption of this splice site has been observed in individual(s) with autosomal recessive neonatal diabetes mellitus and/or hyperinsulinism (PMID: 23275527, 34566892). This variant is not present in population databases (gnomAD no frequency). This sequence change affects an acceptor splice site in intron 27 of the ABCC8 gene. It is expected to disrupt RNA splicing. Variants that disrupt the donor or acceptor splice site typically lead to a loss of protein function (PMID: 16199547), and loss-of-function variants in ABCC8 are known to be pathogenic (PMID: 20685672, 23345197).

Counsyl
Classification: Likely pathogenic for Hyperinsulinemic hypoglycemia, familial, 1. Last evaluated: 2016-05-23. Review status: no assertion criteria provided. Collection method: clinical testing. Allele origin: unknown. Not counted in ClinVar's aggregate classification.

Literature cited by the submitters: PubMed 23275527 (cited by 3 submitters); PubMed 34566892 (cited by Women's Health and Genetics/Laboratory Corporation of America, LabCorp and Labcorp Genetics (formerly Invitae), Labcorp); PubMed 16199547 (cited by Labcorp Genetics (formerly Invitae), Labcorp); PubMed 20685672 (cited by Labcorp Genetics (formerly Invitae), Labcorp); PubMed 23345197 (cited by Labcorp Genetics (formerly Invitae), Labcorp).

NM_000352.6(ABCC8):c.3400-1G>A

Gene: ABCC8 (ATP binding cassette subfamily C member 8; minus strand). Cytogenetic location: 11p15.1.
Variant type: single nucleotide variant.
Coding change: c.3400-1G>A on transcript NM_000352.6 (MANE Select); the canonical splice acceptor site of the intron before coding-DNA position 3400, G replaced by A.
Molecular consequence: splice acceptor variant.
Genome position (GRCh38, 1-based): chr11:17,404,670, C>T on the plus strand (G>A on the coding strand, the complement: ABCC8 is on the minus strand). VCF-style: chr11-17404670-C-T. GRCh37 (hg19) VCF-style: chr11-17426217-C-T.
Other names: c.3397-1G>A (NM_001351297.2); c.3400-1G>A (NM_001351296.2); c.3466-1G>A (NM_001351295.2); c.3403-1G>A (NM_001287174.3).
Identifiers: ClinVar variation 370935 (VCV000370935.19), dbSNP rs576684889, ClinGen allele CA16041444.
Genomic context (GRCh38, chr11:17,404,670, plus strand): 5'-CAGGGCTGAGACACAGAGCAGGGTGGAGCGGCTCAGGCACTCCAGCGTGGATGGGATGTG[C>T]TGAGGGAGACGAGGGGGAGAGAGTGAGGTGAATTTTGGTATTGACTGTGTTTAGAGTGCT-3'